The following is an entry in ClinVar:

NM_015271.5(TRIM2):c.701C>T (p.Thr234Ile)

Gene: TRIM2 (tripartite motif containing 2; plus strand). Cytogenetic location: 4q31.3.
Variant type: single nucleotide variant.
Coding change: c.701C>T on transcript NM_015271.5 (MANE Select); coding-DNA position 701, C replaced by T.
Protein change: p.Thr234Ile; replaces threonine 234 with isoleucine.
Molecular consequence: missense variant. On other transcripts: intron variant (2).
Genome position (GRCh38, 1-based): chr4:153,294,400, C>T. VCF-style: chr4-153294400-C-T. GRCh37 (hg19) VCF-style: chr4-154215552-C-T.
Other names: c.620C>T, p.Thr207Ile (NM_001130067.2, NM_001351056.2, NM_001375512.1 and 5 more transcripts); c.674C>T, p.Thr225Ile (NM_001351054.2); c.671C>T, p.Thr224Ile (NM_001351055.2); c.245C>T, p.Thr82Ile (NM_001351057.2); c.794C>T, p.Thr265Ile (NM_001375488.1); c.362C>T, p.Thr121Ile (NM_001375523.1, NM_001375525.1, NM_001375522.1); c.454-913C>T (NM_001375519.1); c.451-913C>T (NM_001375520.1); and 3 more; short protein forms T234I, T265I, T121I, T207I, T264I, T233I, T224I, T225I.
Identifiers: ClinVar variation 2723937 (VCV002723937.3), dbSNP rs2546518895, ClinGen allele CA358472064.
Genomic context (GRCh38, chr4:153,294,400, plus strand): 5'-CTGAAATCATTCATCAGTTAACCAACCAAAAGGCCAGCATCGTGGATGACATTCATTCCA[C>T]CTTTGATGAGCTCCAGAAGACTTTAAATGTGCGCAAGAGTGTGCTGCTTATGGAATTGGA-3'
Protein context (NP_056086.2, residues 224-244): KASIVDDIHS[Thr234Ile]FDELQKTLNV

ClinVar aggregate classification (germline): Uncertain significance (1 of 4 stars; one submission).

Conditions:
Charcot-Marie-Tooth disease type 2R. Also called: CHARCOT-MARIE-TOOTH DISEASE, AXONAL, AUTOSOMAL RECESSIVE, TYPE 2R; Charcot-Marie-Tooth disease, axonal, type 2R; CHARCOT-MARIE-TOOTH NEUROPATHY, TYPE 2R. Identifiers: Orphanet 397968, MedGen C3809655, MONDO:0014208, OMIM 615490.

Allele frequency attached by ClinVar (database versions not stated): gnomAD exomes below 0.00001.
gnomAD v4.1: 1 of 1,614,150 alleles (0.000062%); highest among the groups gnomAD compares: Non-Finnish European, 0.000085%; no homozygotes.

Submission:

Labcorp Genetics (formerly Invitae), Labcorp
Classification: Uncertain significance for Charcot-Marie-Tooth disease type 2R. Last evaluated: 2023-06-22. Review status: criteria provided, single submitter. Criteria: Invitae Variant Classification Sherloc (09022015). Collection method: clinical testing. Allele origin: germline.
Comment: This sequence change replaces threonine, which is neutral and polar, with isoleucine, which is neutral and non-polar, at codon 207 of the TRIM2 protein (p.Thr207Ile). This variant is not present in population databases (gnomAD no frequency). This variant has not been reported in the literature in individuals affected with TRIM2-related conditions. An algorithm developed to predict the effect of missense changes on protein structure and function (PolyPhen-2) suggests that this variant is likely to be tolerated. In summary, the available evidence is currently insufficient to determine the role of this variant in disease. Therefore, it has been classified as a Variant of Uncertain Significance.